The following is an entry in ClinVar:

NM_031372.4(HNRNPDL):c.501C>T (p.Tyr167=)

Gene: HNRNPDL (heterogeneous nuclear ribonucleoprotein D like; minus strand). Cytogenetic location: 4q21.22.
Variant type: single nucleotide variant.
Coding change: c.501C>T on transcript NM_031372.4 (MANE Select); coding-DNA position 501, C replaced by T.
Protein change: p.Tyr167=; no amino-acid change (tyrosine 167 retained).
Molecular consequence: synonymous variant. On other transcripts: non-coding transcript variant (1).
Genome position (GRCh38, 1-based): chr4:82,428,389, G>A on the plus strand (C>T on the coding strand, the complement: HNRNPDL is on the minus strand). VCF-style: chr4-82428389-G-A. GRCh37 (hg19) VCF-style: chr4-83349542-G-A.
Other names: c.501C>T, p.Tyr167= (NM_001207000.1).
Identifiers: ClinVar variation 2699623 (VCV002699623.3), dbSNP rs149258996, ClinGen allele CA2984954.

ClinVar aggregate classification (germline): Uncertain significance (1 of 4 stars; one submission).

Conditions:
Autosomal dominant limb-girdle muscular dystrophy type 1G (LGMDD3). Also called: Limb-girdle muscular dystrophy, type 1G; MUSCULAR DYSTROPHY, LIMB-GIRDLE, AUTOSOMAL DOMINANT 3. Identifiers: Orphanet 55596, MedGen C1836765, MONDO:0012193, OMIM 609115.

Allele frequency attached by ClinVar (database versions not stated): TOPMed 0.00001; ExAC 0.00004; ESP Exome Variant Server 0.00008.
gnomAD v4.1: 42 of 1,613,302 alleles (0.0026%); highest among the groups gnomAD compares: South Asian, 0.0099%; no homozygotes.

Submission:

Labcorp Genetics (formerly Invitae), Labcorp
Classification: Uncertain significance for Autosomal dominant limb-girdle muscular dystrophy type 1G. Last evaluated: 2022-11-24. Review status: criteria provided, single submitter. Criteria: Invitae Variant Classification Sherloc (09022015). Collection method: clinical testing. Allele origin: germline.
Comment: In summary, the available evidence is currently insufficient to determine the role of this variant in disease. Therefore, it has been classified as a Variant of Uncertain Significance. Algorithms developed to predict the effect of sequence changes on RNA splicing suggest that this variant may create or strengthen a splice site. This variant has not been reported in the literature in individuals affected with HNRNPDL-related conditions. This variant is present in population databases (rs149258996, gnomAD 0.01%). This sequence change affects codon 167 of the HNRNPDL mRNA. It is a 'silent' change, meaning that it does not change the encoded amino acid sequence of the HNRNPDL protein.